The following is an entry in ClinVar:

NM_139125.4(MASP1):c.648C>T (p.Ile216=)

Gene: MASP1 (MBL associated serine protease 1; minus strand). Cytogenetic location: 3q27.3.
Variant type: single nucleotide variant.
Coding change: c.648C>T on transcript NM_139125.4 (MANE Select); coding-DNA position 648, C replaced by T.
Protein change: p.Ile216=; no amino-acid change (isoleucine 216 retained).
Molecular consequence: synonymous variant. On other transcripts: non-coding transcript variant (1).
Genome position (GRCh38, 1-based): chr3:187,256,760, G>A on the plus strand (C>T on the coding strand, the complement: MASP1 is on the minus strand). VCF-style: chr3-187256760-G-A. GRCh37 (hg19) VCF-style: chr3-186974548-G-A.
Other names: c.648C>T, p.Ile216= (NM_001031849.3, NM_001879.6).
Identifiers: ClinVar variation 4872661 (VCV004872661.3).

ClinVar aggregate classification (germline): Likely benign. Review status: criteria provided, multiple submitters, no conflicts (2 of 4 stars). 2 submissions from 2 submitters: Likely benign (2). Last evaluated 2026-06-01.

gnomAD v4.1: 117 of 1,613,956 alleles (0.0072%); highest among the groups gnomAD compares: Middle Eastern, 0.016%; no homozygotes.

Submissions (2):

CeGaT Center for Human Genetics Tuebingen
Classification: Likely benign. Last evaluated: 2026-06-01. Review status: criteria provided, single submitter. Criteria: CeGaT Center For Human Genetics Tuebingen Variant Classification Criteria Version 2. Collection method: clinical testing. Allele origin: germline. Affected: yes. Observed: 1 variant allele.
Comment: MASP1: BP4, BP7

Blueprint Genetics
Classification: Likely benign. Last evaluated: 2024-05-07. Review status: criteria provided, single submitter. Criteria: ACMG Guidelines, 2015. Collection method: clinical testing. Allele origin: germline.